The following is an entry in ClinVar:

NM_002457.5(MUC2):c.11709T>C (p.Thr3903=)

Gene: MUC2 (mucin 2, oligomeric mucus/gel-forming; plus strand). Cytogenetic location: 11p15.5.
Variant type: single nucleotide variant.
Coding change: c.11709T>C on transcript NM_002457.5 (MANE Select); coding-DNA position 11709, T replaced by C.
Protein change: p.Thr3903=; no amino-acid change (threonine 3903 retained).
Molecular consequence: synonymous variant.
Genome position (GRCh38, 1-based): chr11:1,099,043, T>C. VCF-style: chr11-1099043-T-C. GRCh37 (hg19) VCF-style: chr11-1092951-T-C.
Identifiers: ClinVar variation 2641133 (VCV002641133.24), dbSNP rs62649761, ClinGen allele CA5799883.

ClinVar aggregate classification (germline): Likely benign (1 of 4 stars; one submission).

Allele frequency attached by ClinVar (database versions not stated): ExAC 0.02968.

Submission:

CeGaT Center for Human Genetics Tuebingen
Classification: Likely benign. Last evaluated: 2023-08-01. Review status: criteria provided, single submitter. Criteria: CeGaT Center For Human Genetics Tuebingen Variant Classification Criteria Version 2. Collection method: clinical testing. Allele origin: germline. Affected: yes. Observed: 3 variant alleles.
Comment: MUC2: BP4, BP7